The following is an entry in ClinVar:

NM_052947.4(ALPK2):c.1492C>T (p.Leu498Phe)

Gene: ALPK2 (alpha kinase 2; minus strand). Cytogenetic location: 18q21.31.
Variant type: single nucleotide variant.
Coding change: c.1492C>T on transcript NM_052947.4 (MANE Select); coding-DNA position 1492, C replaced by T.
Protein change: p.Leu498Phe; replaces leucine 498 with phenylalanine.
Molecular consequence: missense variant.
Genome position (GRCh38, 1-based): chr18:58,579,284, G>A on the plus strand (C>T on the coding strand, the complement: ALPK2 is on the minus strand). VCF-style: chr18-58579284-G-A. GRCh37 (hg19) VCF-style: chr18-56246516-G-A.
Other names: short protein forms L498F.
Identifiers: ClinVar variation 1773814 (VCV001773814.2), dbSNP rs764383801, ClinGen allele CA402562621.
Genomic context (GRCh38, chr18:58,579,284, plus strand): 5'-TGTCAGCTGCCGTCTCCCAACACTGGCTCATCCCTGAGTTTTCTGACTCACCAGACAAGA[G>A]CTTCATCTCTGTCTCTCTTACTGATTCATCCATGTTGAGCAGATTGTCACTGGCAAATTC-3'
Protein context (NP_443179.3, residues 488-508): DESVRETEMK[Leu498Phe]LSGESENSGM

ClinVar aggregate classification (germline): Uncertain significance (1 of 4 stars; one submission).

Submission:

Ambry Genetics
Classification: Uncertain significance. Last evaluated: 2023-09-17. Review status: criteria provided, single submitter. Criteria: Ambry Variant Classification Scheme 2023. Collection method: clinical testing. Allele origin: germline.
Comment: The p.L498F variant (also known as c.1492C>T), located in coding exon 3 of the ALPK2 gene, results from a C to T substitution at nucleotide position 1492. The leucine at codon 498 is replaced by phenylalanine, an amino acid with highly similar properties. This amino acid position is conserved. In addition, this alteration is predicted to be tolerated by in silico analysis. Since supporting evidence is limited at this time, the clinical significance of this alteration remains unclear.